The following is an entry in ClinVar:

NM_001005498.4(RHBDF2):c.2312G>A (p.Arg771His)

Gene: RHBDF2 (rhomboid 5 homolog 2; minus strand). Cytogenetic location: 17q25.1.
Variant type: single nucleotide variant.
Coding change: c.2312G>A on transcript NM_001005498.4 (MANE Select); coding-DNA position 2312, G replaced by A.
Protein change: p.Arg771His; replaces arginine 771 with histidine.
Molecular consequence: missense variant. On other transcripts: non-coding transcript variant (3).
Genome position (GRCh38, 1-based): chr17:76,471,805, C>T on the plus strand (G>A on the coding strand, the complement: RHBDF2 is on the minus strand). VCF-style: chr17-76471805-C-T. GRCh37 (hg19) VCF-style: chr17-74467887-C-T.
Other names: c.2312G>A, p.Arg771His (NM_001376228.1, NM_001376229.1, NM_001376230.1); c.2399G>A, p.Arg800His (NM_024599.5); short protein forms R800H, R771H.
Identifiers: ClinVar variation 3697972 (VCV003697972.2).

ClinVar aggregate classification (germline): Uncertain significance (1 of 4 stars; one submission).

gnomAD v4.1: 9 of 1,603,346 alleles (0.00056%); highest among the groups gnomAD compares: Admixed American, 0.0052%; no homozygotes.

Submission:

Labcorp Genetics (formerly Invitae), Labcorp
Classification: Uncertain significance. Last evaluated: 2024-04-16. Review status: criteria provided, single submitter. Criteria: Invitae Variant Classification Sherloc (09022015). Collection method: clinical testing. Allele origin: germline.
Comment: This sequence change replaces arginine, which is basic and polar, with histidine, which is basic and polar, at codon 800 of the RHBDF2 protein (p.Arg800His). The frequency data for this variant in the population databases is considered unreliable, as metrics indicate poor data quality at this position in the gnomAD database. This variant has not been reported in the literature in individuals affected with RHBDF2-related conditions. An algorithm developed to predict the effect of missense changes on protein structure and function (PolyPhen-2) suggests that this variant is likely to be disruptive. In summary, the available evidence is currently insufficient to determine the role of this variant in disease. Therefore, it has been classified as a Variant of Uncertain Significance.